The following is an entry in ClinVar:

ClinVar aggregate classification (germline): Conflicting classifications of pathogenicity. Review status: criteria provided, conflicting classifications (1 of 4 stars). 2 submissions from 2 submitters: Uncertain significance (1); Likely benign (1). Last evaluated 2025-03-07.

Conditions:
Hereditary cancer-predisposing syndrome. Also called: Hereditary neoplastic syndrome; Hereditary Cancer Syndrome; Tumor predisposition; Neoplastic Syndromes, Hereditary. Identifiers: Orphanet 140162, MedGen C0027672, MeSH D009386, MONDO:0015356.
Oligodontia-cancer predisposition syndrome. Also called: TOOTH AGENESIS-COLORECTAL CANCER SYNDROME. Identifiers: Orphanet 300576, MedGen C1837750, MONDO:0012075, OMIM 608615. Disease mechanism: loss of function.

Submissions (2):

Ambry Genetics
Classification: Likely benign for Hereditary cancer-predisposing syndrome. Last evaluated: 2025-03-07. Review status: criteria provided, single submitter. Criteria: Ambry Variant Classification Scheme 2023. Collection method: clinical testing. Allele origin: germline.

Labcorp Genetics (formerly Invitae), Labcorp
Classification: Uncertain significance for Oligodontia-cancer predisposition syndrome. Last evaluated: 2025-02-25. Review status: criteria provided, single submitter. Criteria: Invitae Variant Classification Sherloc (09022015). Collection method: clinical testing. Allele origin: germline.
Comment: This sequence change replaces threonine, which is neutral and polar, with asparagine, which is neutral and polar, at codon 176 of the AXIN2 protein (p.Thr176Asn). This variant is not present in population databases (gnomAD no frequency). This variant has not been reported in the literature in individuals affected with AXIN2-related conditions. ClinVar contains an entry for this variant (Variation ID: 1520507). Invitae Evidence Modeling of protein sequence and biophysical properties (such as structural, functional, and spatial information, amino acid conservation, physicochemical variation, residue mobility, and thermodynamic stability) indicates that this missense variant is not expected to disrupt AXIN2 protein function with a negative predictive value of 80%. In summary, the available evidence is currently insufficient to determine the role of this variant in disease. Therefore, it has been classified as a Variant of Uncertain Significance.

NM_004655.4(AXIN2):c.527C>A (p.Thr176Asn)

Gene: AXIN2 (axin 2; minus strand). Cytogenetic location: 17q24.1.
Variant type: single nucleotide variant.
Coding change: c.527C>A on transcript NM_004655.4 (MANE Select); coding-DNA position 527, C replaced by A.
Protein change: p.Thr176Asn; replaces threonine 176 with asparagine.
Molecular consequence: missense variant.
Genome position (GRCh38, 1-based): chr17:65,558,094, G>T on the plus strand (C>A on the coding strand, the complement: AXIN2 is on the minus strand). VCF-style: chr17-65558094-G-T. GRCh37 (hg19) VCF-style: chr17-63554212-G-T.
Other names: c.527C>A, p.Thr176Asn (NM_001363813.1); short protein forms T176N.
Identifiers: ClinVar variation 1520507 (VCV001520507.11), dbSNP rs878854731, ClinGen allele CA400681026.